The following is an entry in ClinVar:

ClinVar aggregate classification (germline): Likely benign. Review status: criteria provided, single submitter (1 of 4 stars). 2 submissions from 2 submitters: Likely benign (1). 1 of the submissions does not count toward it. Last evaluated 2025-08-01.

Conditions:
ARFGEF3-related disorder. Also called: ARFGEF3-related condition.

Allele frequency attached by ClinVar (database versions not stated): 1000 Genomes Project 0.00100; 1000 Genomes Project 30x 0.00125; gnomAD 0.00284; TOPMed 0.00285; ExAC 0.00424; gnomAD exomes 0.00434; ESP Exome Variant Server 0.00446.
gnomAD v4.1: 6,770 of 1,608,652 alleles (0.42%); highest among the groups gnomAD compares: Non-Finnish European, 0.51%; 24 homozygotes.

Submissions (2):

CeGaT Center for Human Genetics Tuebingen
Classification: Likely benign. Last evaluated: 2025-08-01. Review status: criteria provided, single submitter. Criteria: CeGaT Center For Human Genetics Tuebingen Variant Classification Criteria Version 2. Collection method: clinical testing. Allele origin: germline. Affected: yes. Observed: 4 variant alleles.
Comment: ARFGEF3: BS2

PreventionGenetics, part of Exact Sciences
Classification: Likely benign for ARFGEF3-related condition. Last evaluated: 2023-02-28. Review status: no assertion criteria provided. Collection method: clinical testing. Allele origin: germline. Not counted in ClinVar's aggregate classification.
Comment: This variant is classified as likely benign based on ACMG/AMP sequence variant interpretation guidelines (Richards et al. 2015 PMID: 25741868, with internal and published modifications).

NM_020340.5(ARFGEF3):c.4141G>A (p.Gly1381Arg)

Gene: ARFGEF3 (ARFGEF family member 3; plus strand). Cytogenetic location: 6q24.1.
Variant type: single nucleotide variant.
Coding change: c.4141G>A on transcript NM_020340.5 (MANE Select); coding-DNA position 4141, G replaced by A.
Protein change: p.Gly1381Arg; replaces glycine 1381 with arginine.
Molecular consequence: missense variant.
Genome position (GRCh38, 1-based): chr6:138,311,451, G>A. VCF-style: chr6-138311451-G-A. GRCh37 (hg19) VCF-style: chr6-138632588-G-A.
Other names: c.4141G>A (NM_020340.4); short protein forms G1381R.
Identifiers: ClinVar variation 2656940 (VCV002656940.25), dbSNP rs118049612, ClinGen allele CA4021283.
Genomic context (GRCh38, chr6:138,311,451, plus strand): 5'-CCCGTGCCGCCCCTAGGGGAGGTGGACTGTAAAGAGATTGGAGACTGTGCCCCAGCACCC[G>A]GAGCCCCGTCCACAGACCTGTGCCTCCCGGCCCTGGATTACCTCAGGCGCTGCTCTCAGG-3'
Protein context (NP_065073.3, residues 1371-1391): KEIGDCAPAP[Gly1381Arg]APSTDLCLPA